The following is an entry in ClinVar:

NM_000257.4(MYH7):c.3386G>C (p.Arg1129Thr)

Gene: MYH7 (myosin heavy chain 7; minus strand). Cytogenetic location: 14q11.2.
Variant type: single nucleotide variant.
Coding change: c.3386G>C on transcript NM_000257.4 (MANE Select); coding-DNA position 3386, G replaced by C.
Protein change: p.Arg1129Thr; replaces arginine 1129 with threonine.
Molecular consequence: missense variant.
Genome position (GRCh38, 1-based): chr14:23,420,185, C>G on the plus strand (G>C on the coding strand, the complement: MYH7 is on the minus strand). VCF-style: chr14-23420185-C-G. GRCh37 (hg19) VCF-style: chr14-23889394-C-G.
Other names: c.3386G>C, p.Arg1129Thr (NM_001407004.1); short protein forms R1129T.
Identifiers: ClinVar variation 3636021 (VCV003636021.2).
Genomic context (GRCh38, chr14:23,420,185, plus strand): 5'-CGCTCGCTGATCTCCTCCAGCTCCCGAGACAGGTCTGAGCGCAGCTTCTCCACCTTAGCC[C>G]TGGCGGTGCGCTCGGCCTCCAGCTCCTCCTCCAGCTCCTCGATGCGTGCCTGGTCAGACA-3'
Protein context (NP_000248.2, residues 1119-1139): EEELEAERTA[Arg1129Thr]AKVEKLRSDL

ClinVar aggregate classification (germline): Uncertain significance (1 of 4 stars; one submission).

Conditions:
Hypertrophic cardiomyopathy. Also called: HYPERTROPHIC MYOCARDIOPATHY. Identifiers: Orphanet 217569, MedGen C0007194, MeSH D002312, MONDO:0005045, HP:0001639.

Submission:

Labcorp Genetics (formerly Invitae), Labcorp
Classification: Uncertain significance for Hypertrophic cardiomyopathy. Last evaluated: 2025-05-05. Review status: criteria provided, single submitter. Criteria: Invitae Variant Classification Sherloc (09022015). Collection method: clinical testing. Allele origin: germline.
Comment: This sequence change replaces arginine, which is basic and polar, with threonine, which is neutral and polar, at codon 1129 of the MYH7 protein (p.Arg1129Thr). This variant is not present in population databases (gnomAD no frequency). This variant has not been reported in the literature in individuals affected with MYH7-related conditions. ClinVar contains an entry for this variant (Variation ID: 3636021). Invitae Evidence Modeling of protein sequence and biophysical properties (such as structural, functional, and spatial information, amino acid conservation, physicochemical variation, residue mobility, and thermodynamic stability) indicates that this missense variant is expected to disrupt MYH7 protein function with a positive predictive value of 95%. In summary, the available evidence is currently insufficient to determine the role of this variant in disease. Therefore, it has been classified as a Variant of Uncertain Significance.